The following is an entry in ClinVar:

NM_000439.5(PCSK1):c.822G>A (p.Gly274=)

Genes: CAST (calpastatin; plus strand), PCSK1 (proprotein convertase subtilisin/kexin type 1; minus strand), LOC101929710 (uncharacterized LOC101929710; plus strand). Cytogenetic location: 5q15.
Variant type: single nucleotide variant.
Coding change: c.822G>A on transcript NM_000439.5 (MANE Select); coding-DNA position 822, G replaced by A.
Protein change: p.Gly274=; no amino-acid change (glycine 274 retained).
Molecular consequence: synonymous variant. On other transcripts: intron variant (11).
Genome position (GRCh38, 1-based): chr5:96,412,378, C>T on the plus strand (G>A on the coding strand, the complement: PCSK1 is on the minus strand). VCF-style: chr5-96412378-C-T. GRCh37 (hg19) VCF-style: chr5-95748082-C-T.
Other names: c.681G>A, p.Gly227= (NM_001177875.2); c.-175+32726C>T (NM_001423254.1, NM_001423259.1, NM_001423255.1 and 6 more transcripts); c.-103+32726C>T (NM_001423253.1); c.-40+32726C>T (NM_001423258.1).
Identifiers: ClinVar variation 4983530 (VCV004983530.1).
Genomic context (GRCh38, chr5:96,412,378, plus strand): 5'-CTGTTTGACACCATATTCAAAAGCCTTCTGGGCTAGCCGGCCAGGCCCCTCCACAGTTTT[C>T]CCATCATCATTAGGGCCCCAGCTTGCACTGTAAATATCCACGTGTCCAGGATTGAATCCA-3'
Protein context (NP_000430.3, residues 264-284): YSASWGPNDD[Gly274=]KTVEGPGRLA

ClinVar aggregate classification (germline): Likely benign (1 of 4 stars; one submission).

Conditions:
PCSK1-related disorder. Also called: PCSK1-related condition.

Submission:

PreventionGenetics, part of Exact Sciences
Classification: Likely benign for PCSK1-related condition. Last evaluated: 2025-01-02. Review status: criteria provided, single submitter. Criteria: ACMG Guidelines, 2015. Collection method: clinical testing. Allele origin: germline.
Comment: This variant is classified as likely benign based on ACMG/AMP sequence variant interpretation guidelines (Richards et al. 2015 PMID: 25741868, with internal and published modifications).